The following is an entry in ClinVar:

ClinVar aggregate classification (germline): Uncertain significance (1 of 4 stars; one submission).

Conditions:
PLXNA3-related disorder. Also called: PLXNA3-related condition.

gnomAD v4.1: 3 of 1,211,065 alleles (0.00025%); highest among the groups gnomAD compares: African/African-American, 0.0017%; no homozygotes.

Submission:

PreventionGenetics, part of Exact Sciences
Classification: Uncertain significance for PLXNA3-related condition. Last evaluated: 2025-09-18. Review status: criteria provided, single submitter. Criteria: ACMG Guidelines, 2015. Collection method: clinical testing. Allele origin: germline.
Comment: The PLXNA3 c.173C>G variant is predicted to result in the amino acid substitution p.Pro58Arg. To our knowledge, this variant has not been reported in the literature or in a large population database (gnomAD), indicating this variant is rare. At this time, the clinical significance of this variant is uncertain due to the absence of conclusive functional and genetic evidence.

NM_017514.5(PLXNA3):c.173C>G (p.Pro58Arg)

Gene: PLXNA3 (plexin A3; plus strand). Cytogenetic location: Xq28.
Variant type: single nucleotide variant.
Coding change: c.173C>G on transcript NM_017514.5 (MANE Select); coding-DNA position 173, C replaced by G.
Protein change: p.Pro58Arg; replaces proline 58 with arginine.
Molecular consequence: missense variant.
Genome position (GRCh38, 1-based): chrX:154,460,356, C>G. VCF-style: chrX-154460356-C-G. GRCh37 (hg19) VCF-style: chrX-153688696-C-G.
Other names: short protein forms P58R.
Identifiers: ClinVar variation 4978506 (VCV004978506.1).